The following is an entry in ClinVar:

NM_024598.4(USB1):c.641G>A (p.Cys214Tyr)

Gene: USB1 (U6 snRNA biogenesis phosphodiesterase 1; plus strand). Cytogenetic location: 16q21.
Variant type: single nucleotide variant.
Coding change: c.641G>A on transcript NM_024598.4 (MANE Select); coding-DNA position 641, G replaced by A.
Protein change: p.Cys214Tyr; replaces cysteine 214 with tyrosine.
Molecular consequence: missense variant.
Genome position (GRCh38, 1-based): chr16:58,019,003, G>A. VCF-style: chr16-58019003-G-A. GRCh37 (hg19) VCF-style: chr16-58052907-G-A.
Other names: p.Cys214Tyr; c.587G>A, p.Cys196Tyr (NM_001195302.2); c.488G>A, p.Cys163Tyr (NM_001330568.2); short protein forms C214Y, C163Y, C196Y.
Identifiers: ClinVar variation 626043 (VCV000626043.31), dbSNP rs146685901, ClinGen allele CA8085004.

ClinVar aggregate classification (germline): Conflicting classifications of pathogenicity. Review status: criteria provided, conflicting classifications (1 of 4 stars). 9 submissions from 9 submitters: Uncertain significance (4); Likely benign (3). 2 of the submissions do not count toward it. Last evaluated 2026-09-04.

Conditions:
Poikiloderma with neutropenia (PN). Identifiers: Orphanet 221046, MedGen C1858723, MONDO:0011405, OMIM 604173.

Allele frequency attached by ClinVar (database versions not stated): gnomAD exomes 0.00021 and 0.00056; ExAC 0.00063; 1000 Genomes Project 0.00200; gnomAD 0.00207 and 0.00223; ESP Exome Variant Server 0.00239; TOPMed 0.00244; 1000 Genomes Project 30x 0.00281.

Submissions (9):

GeneDx
Classification: Uncertain significance. Last evaluated: 2026-09-04. Review status: criteria provided, single submitter. Criteria: GeneDx Variant Classification Process June 2021. Collection method: clinical testing. Allele origin: germline.
Comment: Has not been previously published as pathogenic or benign to our knowledge; In silico analysis supports that this missense variant has a deleterious effect on protein structure/function

Women's Health and Genetics/Laboratory Corporation of America, LabCorp
Classification: Likely benign. Last evaluated: 2026-02-05. Review status: criteria provided, single submitter. Criteria: LabCorp Variant Classification Summary - May 2015. Collection method: clinical testing. Allele origin: germline.
Comment: Variant summary: USB1 c.641G>A (p.Cys214Tyr) results in a non-conservative amino acid change in the encoded protein sequence. Algorithms developed to predict the effect of missense changes on protein structure and function are either unavailable or do not agree on the potential impact of this missense change. The variant allele was found at a frequency of 0.00056 in 250612 control chromosomes, predominantly at a frequency of 0.0083 within the African or African-American subpopulation in the gnomAD database, including 3 homozygotes. The observed variant frequency within African or African-American control individuals in the gnomAD database exceeds the estimated maximal expected allele frequency for disease-causing variants in USB1. To our knowledge, no occurrence of c.641G>A in individuals affected with USB1-related conditions and no experimental evidence demonstrating its impact on protein function have been reported. ClinVar contains an entry for this variant (Variation ID: 626043). Based on the evidence outlined above, the variant was classified as likely benign.

Labcorp Genetics (formerly Invitae), Labcorp
Classification: Likely benign. Last evaluated: 2026-01-28. Review status: criteria provided, single submitter. Criteria: Invitae Variant Classification Sherloc (09022015). Collection method: clinical testing. Allele origin: germline.

Mayo Clinic Laboratories, Mayo Clinic
Classification: Uncertain significance. Last evaluated: 2025-01-08. Review status: criteria provided, single submitter. Criteria: ACMG Guidelines, 2015. Collection method: clinical testing. Allele origin: germline. Observed: 3 variant alleles.
Comment: BS1

Blueprint Genetics
Classification: Likely benign. Last evaluated: 2024-11-01. Review status: criteria provided, single submitter. Criteria: ACMG Guidelines, 2015. Collection method: clinical testing. Allele origin: germline.

Center for Genomics, Ann and Robert H. Lurie Children's Hospital of Chicago
Classification: Uncertain significance for Poikiloderma with neutropenia. Last evaluated: 2021-03-30. Review status: criteria provided, single submitter. Criteria: ACMG Guidelines, 2015. Collection method: clinical testing. Allele origin: germline.
Comment: USB1 NM_024598 exon 6 p.Cys214Tyr (c.641G>A): This variant has not been reported in the literature but is present in 0.7% (181/24028) of African alleles, including 2 homozygotes in the Genome Aggregation Database. Evolutionary conservation and computational predictive tools suggest that this variant may impact the protein. In summary, data on this variant is insufficient for disease classification. Therefore, the clinical significance of this variant is uncertain.

Genetic Services Laboratory, University of Chicago
Classification: Uncertain significance. Last evaluated: 2019-06-11. Review status: criteria provided, single submitter. Criteria: ACMG Guidelines, 2015. Collection method: clinical testing. Allele origin: germline. Affected: no.

Clinical Genetics DNA and cytogenetics Diagnostics Lab, Erasmus MC, Erasmus Medical Center
Classification: Uncertain significance. Review status: no assertion criteria provided. Collection method: clinical testing. Allele origin: germline. Affected: yes. Study: VKGL Data-share Consensus. Not counted in ClinVar's aggregate classification.

Diagnostic Laboratory, Department of Genetics, University Medical Center Groningen
Classification: Uncertain significance. Review status: no assertion criteria provided. Collection method: clinical testing. Allele origin: germline. Affected: yes. Study: VKGL Data-share Consensus. Not counted in ClinVar's aggregate classification.